The following is an entry in ClinVar:

ClinVar aggregate classification (germline): Uncertain significance (1 of 4 stars; one submission).

Conditions:
Hereditary cancer-predisposing syndrome. Also called: Neoplastic Syndromes, Hereditary; Tumor predisposition; Hereditary Cancer Syndrome; Hereditary neoplastic syndrome. Identifiers: Orphanet 140162, MedGen C0027672, MeSH D009386, MONDO:0015356.

gnomAD v4.1: 1 of 1,612,042 alleles (0.000062%); no homozygotes.

Submission:

Ambry Genetics
Classification: Uncertain significance for Hereditary cancer-predisposing syndrome. Last evaluated: 2025-12-10. Review status: criteria provided, single submitter. Criteria: Ambry Variant Classification Scheme 2023. Collection method: clinical testing. Allele origin: germline.
Comment: The p.D722E variant (also known as c.2166T>A), located in coding exon 8 of the BLM gene, results from a T to A substitution at nucleotide position 2166. The aspartic acid at codon 722 is replaced by glutamic acid, an amino acid with highly similar properties. This amino acid position is conserved. In addition, this alteration is predicted to be deleterious by in silico analysis. Based on the available evidence, the clinical significance of this variant remains unclear.

NM_000057.4(BLM):c.2166T>A (p.Asp722Glu)

Gene: BLM (BLM RecQ like helicase; plus strand). Cytogenetic location: 15q26.1.
Variant type: single nucleotide variant.
Coding change: c.2166T>A on transcript NM_000057.4 (MANE Select); coding-DNA position 2166, T replaced by A.
Protein change: p.Asp722Glu; replaces aspartic acid 722 with glutamic acid.
Molecular consequence: missense variant.
Genome position (GRCh38, 1-based): chr15:90,765,387, T>A. VCF-style: chr15-90765387-T-A. GRCh37 (hg19) VCF-style: chr15-91308617-T-A.
Other names: c.2166T>A, p.Asp722Glu (NM_001287246.2, NM_001287247.2); c.1041T>A, p.Asp347Glu (NM_001287248.2); short protein forms D347E, D722E.
Identifiers: ClinVar variation 4622917 (VCV004622917.1).